The following is an entry in ClinVar:

NM_005591.4(MRE11):c.13G>A (p.Asp5Asn)

Gene: MRE11 (MRE11 double strand break repair nuclease; minus strand). Cytogenetic location: 11q21.
Variant type: single nucleotide variant.
Coding change: c.13G>A on transcript NM_005591.4 (MANE Select); coding-DNA position 13, G replaced by A.
Protein change: p.Asp5Asn; replaces aspartic acid 5 with asparagine.
Molecular consequence: missense variant.
Genome position (GRCh38, 1-based): chr11:94,492,789, C>T on the plus strand (G>A on the coding strand, the complement: MRE11 is on the minus strand). VCF-style: chr11-94492789-C-T. GRCh37 (hg19) VCF-style: chr11-94225955-C-T.
Other names: c.13G>A, p.Asp5Asn (NM_001330347.2, NM_005590.4); short protein forms D5N.
Identifiers: ClinVar variation 2034583 (VCV002034583.4), dbSNP rs1947322463, ClinGen allele CA382381575.
Genomic context (GRCh38, chr11:94,492,789, plus strand): 5'-GACGAGCTTTAGAAACCCCAAATAACAAGGGATTCCAGAAGTCAGGTGCTTACAGTGCAT[C>T]TGCAGTACTCATTTTTATGGTCAGTCAAGCTCCTCTGGGACCAGGTTCTTCTCCAAGAAC-3'
Protein context (NP_005582.1, residues 1-15): MSTA[Asp5Asn]ALDDENTFKI

ClinVar aggregate classification (germline): Uncertain significance (1 of 4 stars; one submission).

Conditions:
Ataxia-telangiectasia-like disorder (ATLD). Identifiers: MedGen C1858391, MONDO:0011457.

Allele frequency attached by ClinVar (database versions not stated): gnomAD exomes below 0.00001.
gnomAD v4.1: 1 of 1,613,962 alleles (0.000062%); highest among the groups gnomAD compares: Middle Eastern, 0.017%; no homozygotes.

Submission:

Labcorp Genetics (formerly Invitae), Labcorp
Classification: Uncertain significance for Ataxia-telangiectasia-like disorder. Last evaluated: 2022-10-07. Review status: criteria provided, single submitter. Criteria: Invitae Variant Classification Sherloc (09022015). Collection method: clinical testing. Allele origin: germline.
Comment: In summary, the available evidence is currently insufficient to determine the role of this variant in disease. Therefore, it has been classified as a Variant of Uncertain Significance. Algorithms developed to predict the effect of missense changes on protein structure and function (SIFT, PolyPhen-2, Align-GVGD) all suggest that this variant is likely to be tolerated. This variant has not been reported in the literature in individuals affected with MRE11-related conditions. This variant is not present in population databases (gnomAD no frequency). This sequence change replaces aspartic acid, which is acidic and polar, with asparagine, which is neutral and polar, at codon 5 of the MRE11 protein (p.Asp5Asn).